The following is an entry in ClinVar:

NM_005235.3(ERBB4):c.587G>A (p.Arg196His)

Gene: ERBB4 (erb-b2 receptor tyrosine kinase 4; minus strand). Cytogenetic location: 2q34.
Variant type: single nucleotide variant.
Coding change: c.587G>A on transcript NM_005235.3 (MANE Select); coding-DNA position 587, G replaced by A.
Protein change: p.Arg196His; replaces arginine 196 with histidine.
Molecular consequence: missense variant.
Genome position (GRCh38, 1-based): chr2:211,750,674, C>T on the plus strand (G>A on the coding strand, the complement: ERBB4 is on the minus strand). VCF-style: chr2-211750674-C-T. GRCh37 (hg19) VCF-style: chr2-212615399-C-T.
Other names: c.587G>A, p.Arg196His (NM_001042599.2); short protein forms R196H.
Identifiers: ClinVar variation 1502546 (VCV001502546.7), dbSNP rs369165560, ClinGen allele CA2088390.

ClinVar aggregate classification (germline): Uncertain significance. Review status: criteria provided, single submitter (1 of 4 stars). 2 submissions from 2 submitters: Uncertain significance (1). 1 of the submissions does not count toward it. Last evaluated 2025-11-08.

Conditions:
ERBB4-related disorder. Also called: ERBB4-related condition.

Allele frequency attached by ClinVar (database versions not stated): ExAC 0.00007; ESP Exome Variant Server 0.00008; gnomAD 0.00009; gnomAD exomes 0.00010 and 0.00012; TOPMed 0.00010.

Submissions (2):

Labcorp Genetics (formerly Invitae), Labcorp
Classification: Uncertain significance. Last evaluated: 2025-11-08. Review status: criteria provided, single submitter. Criteria: Invitae Variant Classification Sherloc (09022015). Collection method: clinical testing. Allele origin: germline.
Comment: This sequence change replaces arginine, which is basic and polar, with histidine, which is basic and polar, at codon 196 of the ERBB4 protein (p.Arg196His). This variant is present in population databases (rs369165560, gnomAD 0.01%). This variant has not been reported in the literature in individuals affected with ERBB4-related conditions. ClinVar contains an entry for this variant (Variation ID: 1502546). Invitae Evidence Modeling of protein sequence and biophysical properties (such as structural, functional, and spatial information, amino acid conservation, physicochemical variation, residue mobility, and thermodynamic stability) indicates that this missense variant is not expected to disrupt ERBB4 protein function with a negative predictive value of 80%. In summary, the available evidence is currently insufficient to determine the role of this variant in disease. Therefore, it has been classified as a Variant of Uncertain Significance.

PreventionGenetics, part of Exact Sciences
Classification: Uncertain significance for ERBB4-related condition. Last evaluated: 2024-03-12. Review status: no assertion criteria provided. Collection method: clinical testing. Allele origin: germline. Not counted in ClinVar's aggregate classification.
Comment: The ERBB4 c.587G>A variant is predicted to result in the amino acid substitution p.Arg196His. To our knowledge, this variant has not been reported in the literature. This variant is reported in 0.014% of alleles in individuals of Latino descent in gnomAD. At this time, the clinical significance of this variant is uncertain due to the absence of conclusive functional and genetic evidence.